The following is an entry in ClinVar:

NM_178857.6(RP1L1):c.2343C>T (p.Ser781=)

Gene: RP1L1 (RP1 like 1). Cytogenetic location: 8p23.1.
Variant type: single nucleotide variant.
Coding change: c.2343C>T on transcript NM_178857.6 (MANE Select); coding-DNA position 2343, C replaced by T.
Protein change: p.Ser781=; no amino-acid change (serine 781 retained).
Molecular consequence: synonymous variant.
Genome position (GRCh38, 1-based): chr8:10,611,755, G>A on the plus strand (C>T on the coding strand, the complement: RP1L1 is on the minus strand). VCF-style: chr8-10611755-G-A. GRCh37 (hg19) VCF-style: chr8-10469265-G-A.
Other names: c.2343C>T (NM_178857.5).
Identifiers: ClinVar variation 4899302 (VCV004899302.2).

ClinVar aggregate classification (germline): Likely benign. Review status: criteria provided, multiple submitters, no conflicts (2 of 4 stars). 2 submissions from 2 submitters: Likely benign (2). Last evaluated 2026-09-24.

Conditions:
RP1L1-related disorder. Also called: RP1L1-related condition.

gnomAD v4.1: 50 of 1,613,510 alleles (0.0031%); highest among the groups gnomAD compares: South Asian, 0.0044%; no homozygotes.

Submissions (2):

PreventionGenetics, part of Exact Sciences
Classification: Likely benign for RP1L1-related condition. Last evaluated: 2026-09-24. Review status: criteria provided, single submitter. Criteria: ACMG Guidelines, 2015. Collection method: clinical testing. Allele origin: germline.
Comment: This variant is classified as likely benign based on ACMG/AMP sequence variant interpretation guidelines (Richards et al. 2015 PMID: 25741868, with internal and published modifications).

Blueprint Genetics
Classification: Likely benign. Last evaluated: 2024-10-28. Review status: criteria provided, single submitter. Criteria: ACMG Guidelines, 2015. Collection method: clinical testing. Allele origin: germline.